The following is an entry in ClinVar:

ClinVar aggregate classification (germline): Likely benign. Review status: criteria provided, multiple submitters, no conflicts (2 of 4 stars). 2 submissions from 2 submitters: Likely benign (2). Last evaluated 2024-01-13.

Conditions:
Juvenile polyposis syndrome (JPS). Identifiers: Orphanet 2929, MedGen C0345893, MONDO:0017380, OMIM 174900.

Submissions (2):

Labcorp Genetics (formerly Invitae), Labcorp
Classification: Likely benign for Juvenile polyposis syndrome. Last evaluated: 2024-01-13. Review status: criteria provided, single submitter. Criteria: Invitae Variant Classification Sherloc (09022015). Collection method: clinical testing. Allele origin: germline.

All of Us Research Program, National Institutes of Health
Classification: Likely benign for Juvenile polyposis syndrome. Last evaluated: 2023-05-16. Review status: criteria provided, single submitter. Criteria: ACMG Guidelines, 2015. Collection method: clinical testing. Allele origin: germline. Inheritance: Autosomal dominant inheritance. Observed: 1 variant allele, 1 heterozygote.
Comment: This study involves interpretation of variants in research participants for the purpose of population health screening. Participant phenotype was not available at the time of variant classification. Additional details can be found in publication PMID: 35346344, PMCID: PMC8962531

NM_004329.3(BMPR1A):c.334-13A>T

Gene: BMPR1A (bone morphogenetic protein receptor type 1A; plus strand). Cytogenetic location: 10q23.2.
Variant type: single nucleotide variant.
Coding change: c.334-13A>T on transcript NM_004329.3 (MANE Select); 13 bases into the intron before coding-DNA position 334, A replaced by T.
Molecular consequence: intron variant.
Genome position (GRCh38, 1-based): chr10:86,899,781, A>T. VCF-style: chr10-86899781-A-T. GRCh37 (hg19) VCF-style: chr10-88659538-A-T.
Other names: c.334-13A>T (NM_001406562.1, NM_001406568.1, NM_001406567.1 and 22 more transcripts); c.250-13A>T (NM_001406584.1, NM_001406588.1, NM_001406587.1 and 2 more transcripts); c.333+7552A>T (NM_001406589.1).
Identifiers: ClinVar variation 2709218 (VCV002709218.4), dbSNP rs2133453051, ClinGen allele CA2697558521.
Genomic context (GRCh38, chr10:86,899,781, plus strand): 5'-TTATGAATACTAAAAAGACATATCAGTTTAAAATACCAAACCATTTCTAATTTTATCATT[A>T]CTCTTCTTTTAGGATTCTCCAAAAGCCCAGCTACGCCGGACAATAGAATGTTGTCGGACC-3'